The following is an entry in ClinVar:

NM_014314.4(RIGI):c.1262A>C (p.Asp421Ala)

Gene: RIGI (RNA sensor RIG-I; minus strand). Cytogenetic location: 9p21.1.
Variant type: single nucleotide variant.
Coding change: c.1262A>C on transcript NM_014314.4 (MANE Select); coding-DNA position 1262, A replaced by C.
Protein change: p.Asp421Ala; replaces aspartic acid 421 with alanine.
Molecular consequence: missense variant.
Genome position (GRCh38, 1-based): chr9:32,487,584, T>G on the plus strand (A>C on the coding strand, the complement: RIGI is on the minus strand). VCF-style: chr9-32487584-T-G. GRCh37 (hg19) VCF-style: chr9-32487582-T-G.
Other names: c.1262A>C (NM_014314.3); c.1256A>C, p.Asp419Ala (NM_001385907.1); c.1262A>C, p.Asp421Ala (NM_001385909.1); c.821A>C, p.Asp274Ala (NM_001385910.1); c.653A>C, p.Asp218Ala (NM_001385912.1); c.1247A>C, p.Asp416Ala (NM_001385913.1); c.818A>C, p.Asp273Ala (NM_001385914.1); short protein forms D416A, D421A, D273A, D274A, D419A, D218A.
Identifiers: ClinVar variation 1509462 (VCV001509462.9), dbSNP rs761902508, ClinGen allele CA5019878.
Genomic context (GRCh38, chr9:32,487,584, plus strand): 5'-GTTGCTATCACTGACGCATCAAGAGAAGCACACAGCTTGCAGATATAATCCAAGGCTTCA[T>G]CTGTGTTTTTGGCATCCCCAACACCAACCGAGGCAGTCAGCCCAATGACCTGTAAGGAGC-3'
Protein context (NP_055129.2, residues 411-431): SVGVGDAKNT[Asp421Ala]EALDYICKLC

ClinVar aggregate classification (germline): Uncertain significance. Review status: criteria provided, multiple submitters, no conflicts (2 of 4 stars). 2 submissions from 2 submitters: Uncertain significance (2). Last evaluated 2025-06-27.

Conditions:
Inborn genetic diseases. Identifiers: MedGen C0950123, MeSH D030342.

Allele frequency attached by ClinVar (database versions not stated): gnomAD 0.00002; TOPMed 0.00003; gnomAD exomes 0.00006; ExAC 0.00012.
gnomAD v4.1: 64 of 1,614,056 alleles (0.004%); highest among the groups gnomAD compares: Non-Finnish European, 0.0054%; no homozygotes.

Submissions (2):

Labcorp Genetics (formerly Invitae), Labcorp
Classification: Uncertain significance. Last evaluated: 2025-06-27. Review status: criteria provided, single submitter. Criteria: Invitae Variant Classification Sherloc (09022015). Collection method: clinical testing. Allele origin: germline.
Comment: This sequence change replaces aspartic acid, which is acidic and polar, with alanine, which is neutral and non-polar, at codon 421 of the DDX58 protein (p.Asp421Ala). This variant is present in population databases (rs761902508, gnomAD 0.01%). This variant has not been reported in the literature in individuals affected with DDX58-related conditions. ClinVar contains an entry for this variant (Variation ID: 1509462). Invitae Evidence Modeling of protein sequence and biophysical properties (such as structural, functional, and spatial information, amino acid conservation, physicochemical variation, residue mobility, and thermodynamic stability) indicates that this missense variant is not expected to disrupt DDX58 protein function with a negative predictive value of 80%. In summary, the available evidence is currently insufficient to determine the role of this variant in disease. Therefore, it has been classified as a Variant of Uncertain Significance.

Ambry Genetics
Classification: Uncertain significance for Inborn genetic diseases. Last evaluated: 2024-11-28. Review status: criteria provided, single submitter. Criteria: Ambry Variant Classification Scheme 2023. Collection method: clinical testing. Allele origin: germline.